The following is an entry in ClinVar:

NM_152618.3(BBS12):c.427del (p.Ser143fs)

Gene: BBS12 (Bardet-Biedl syndrome 12; plus strand). Cytogenetic location: 4q27.
Variant type: Deletion.
Coding change: c.427del on transcript NM_152618.3 (MANE Select); coding-DNA position 427, one base deleted (A; older notation c.427delA).
Protein change: p.Ser143fs; shifts the reading frame from serine 143.
Molecular consequence: frameshift variant.
Genome position (GRCh38, 1-based): chr4:122,742,319, A deleted. VCF-style (leftmost placement, unchanged base first): chr4-122742318-CA-C. GRCh37 (hg19) VCF-style: chr4-123663473-CA-C.
Other names: c.427del, p.Ser143fs (NM_001178007.2); short protein forms S143fs.
Identifiers: ClinVar variation 2866935 (VCV002866935.3), dbSNP rs2485072704, ClinGen allele CA2739270256.

ClinVar aggregate classification (germline): Pathogenic (1 of 4 stars; one submission).

Conditions:
Bardet-Biedl syndrome (BBS). Identifiers: Orphanet 110, MedGen C0752166, MONDO:0015229.

Submission:

Labcorp Genetics (formerly Invitae), Labcorp
Classification: Pathogenic for Bardet-Biedl syndrome. Last evaluated: 2023-05-22. Review status: criteria provided, single submitter. Criteria: Invitae Variant Classification Sherloc (09022015). Collection method: clinical testing. Allele origin: germline.
Comment: This sequence change creates a premature translational stop signal (p.Ser143Alafs*13) in the BBS12 gene. While this is not anticipated to result in nonsense mediated decay, it is expected to disrupt the last 568 amino acid(s) of the BBS12 protein. This variant is not present in population databases (gnomAD no frequency). This variant has not been reported in the literature in individuals affected with BBS12-related conditions. This variant disrupts a region of the BBS12 protein in which other variant(s) (p.Arg675*) have been determined to be pathogenic (PMID: 20827784, 21642631). This suggests that this is a clinically significant region of the protein, and that variants that disrupt it are likely to be disease-causing. For these reasons, this variant has been classified as Pathogenic.

Literature cited by the submitters: PubMed 20827784; PubMed 21642631.